The following is an entry in ClinVar:

NM_002900.3(RBP3):c.2866G>T (p.Glu956Ter)

Gene: RBP3 (retinol binding protein 3; plus strand). Cytogenetic location: 10q11.22.
Variant type: single nucleotide variant.
Coding change: c.2866G>T on transcript NM_002900.3 (MANE Select); coding-DNA position 2866, G replaced by T.
Protein change: p.Glu956Ter; replaces glutamic acid 956 with a stop codon.
Molecular consequence: nonsense.
Genome position (GRCh38, 1-based): chr10:47,351,350, G>T. VCF-style: chr10-47351350-G-T. GRCh37 (hg19) VCF-style: chr10-48388012-C-A.
Other names: short protein forms E956*.
Identifiers: ClinVar variation 2042957 (VCV002042957.4), dbSNP rs781847641, ClinGen allele CA206465709.

ClinVar aggregate classification (germline): Pathogenic (1 of 4 stars; one submission).

Submission:

Labcorp Genetics (formerly Invitae), Labcorp
Classification: Pathogenic. Last evaluated: 2021-12-15. Review status: criteria provided, single submitter. Criteria: Invitae Variant Classification Sherloc (09022015). Collection method: clinical testing. Allele origin: germline.
Comment: For these reasons, this variant has been classified as Pathogenic. This variant has not been reported in the literature in individuals affected with RBP3-related conditions. This variant is not present in population databases (gnomAD no frequency). This sequence change creates a premature translational stop signal (p.Glu956*) in the RBP3 gene. It is expected to result in an absent or disrupted protein product. Loss-of-function variants in RBP3 are known to be pathogenic (PMID: 9614228, 23105016, 25766589).

Literature cited by the submitters: PubMed 9614228; PubMed 23105016; PubMed 25766589.